The following is an entry in ClinVar:

NM_006005.3(WFS1):c.2202C>G (p.Leu734=)

Gene: WFS1 (wolframin ER transmembrane glycoprotein; plus strand). Cytogenetic location: 4p16.1.
Variant type: single nucleotide variant.
Coding change: c.2202C>G on transcript NM_006005.3 (MANE Select); coding-DNA position 2202, C replaced by G.
Protein change: p.Leu734=; no amino-acid change (leucine 734 retained).
Molecular consequence: synonymous variant.
Genome position (GRCh38, 1-based): chr4:6,301,997, C>G. VCF-style: chr4-6301997-C-G. GRCh37 (hg19) VCF-style: chr4-6303724-C-G.
Other names: c.2202C>G, p.Leu734= (NM_001145853.1).
Identifiers: ClinVar variation 2654622 (VCV002654622.27), dbSNP rs140427062, ClinGen allele CA438368711.

ClinVar aggregate classification (germline): Likely benign. Review status: criteria provided, multiple submitters, no conflicts (2 of 4 stars). 2 submissions from 2 submitters: Likely benign (2). Last evaluated 2023-03-01.

Submissions (2):

CeGaT Center for Human Genetics Tuebingen
Classification: Likely benign. Last evaluated: 2023-03-01. Review status: criteria provided, single submitter. Criteria: CeGaT Center For Human Genetics Tuebingen Variant Classification Criteria Version 2. Collection method: clinical testing. Allele origin: germline. Affected: yes. Observed: 1 variant allele.
Comment: WFS1: PM2:Supporting, BP4, BP7

Labcorp Genetics (formerly Invitae), Labcorp
Classification: Likely benign. Last evaluated: 2022-12-06. Review status: criteria provided, single submitter. Criteria: Invitae Variant Classification Sherloc (09022015). Collection method: clinical testing. Allele origin: germline.